The following is an entry in ClinVar:

ClinVar aggregate classification (germline): Uncertain significance. Review status: criteria provided, multiple submitters, no conflicts (2 of 4 stars). 3 submissions from 3 submitters: Uncertain significance (3). Last evaluated 2026-01-17.

Allele frequency attached by ClinVar (database versions not stated): gnomAD exomes 0.00003; ExAC 0.00007; gnomAD 0.00009; TOPMed 0.00012; ESP Exome Variant Server 0.00031.
gnomAD v4.1: 54 of 1,613,602 alleles (0.0033%); highest among the groups gnomAD compares: African/African-American, 0.025%; no homozygotes.

Submissions (3):

Labcorp Genetics (formerly Invitae), Labcorp
Classification: Uncertain significance. Last evaluated: 2026-01-17. Review status: criteria provided, single submitter. Criteria: Invitae Variant Classification Sherloc (09022015). Collection method: clinical testing. Allele origin: germline.
Comment: This sequence change replaces arginine, which is basic and polar, with cysteine, which is neutral and slightly polar, at codon 2024 of the DCHS1 protein (p.Arg2024Cys). This variant is present in population databases (rs147732457, gnomAD 0.04%). This variant has not been reported in the literature in individuals affected with DCHS1-related conditions. ClinVar contains an entry for this variant (Variation ID: 1985089). Invitae Evidence Modeling of protein sequence and biophysical properties (such as structural, functional, and spatial information, amino acid conservation, physicochemical variation, residue mobility, and thermodynamic stability) has been performed for this missense variant. However, the output from this modeling did not meet the statistical confidence thresholds required to predict the impact of this variant on DCHS1 protein function. In summary, the available evidence is currently insufficient to determine the role of this variant in disease. Therefore, it has been classified as a Variant of Uncertain Significance.

Women's Health and Genetics/Laboratory Corporation of America, LabCorp
Classification: Uncertain significance. Last evaluated: 2025-05-13. Review status: criteria provided, single submitter. Criteria: LabCorp Variant Classification Summary - May 2015. Collection method: clinical testing. Allele origin: germline.
Comment: Variant summary: DCHS1 c.6070C>T (p.Arg2024Cys) results in a non-conservative amino acid change in the encoded protein sequence. Algorithms developed to predict the effect of missense changes on protein structure and function are either unavailable or do not agree on the potential impact of this missense change. The variant allele was found at a frequency of 4.8e-05 in 250766 control chromosomes. This frequency is not significantly higher than estimated for a pathogenic variant in DCHS1 causing DCHS1-Related Disorders, allowing no conclusion about variant significance. To our knowledge, no occurrence of c.6070C>T in individuals affected with DCHS1-Related Disorders and no experimental evidence demonstrating its impact on protein function have been reported. ClinVar contains an entry for this variant (Variation ID: 1985089). Based on the evidence outlined above, the variant was classified as uncertain significance.

GeneDx
Classification: Uncertain significance. Last evaluated: 2023-03-23. Review status: criteria provided, single submitter. Criteria: GeneDx Variant Classification Process June 2021. Collection method: clinical testing. Allele origin: germline. Affected: yes.
Comment: In silico analysis supports that this missense variant has a deleterious effect on protein structure/function; Has not been previously published as pathogenic or benign to our knowledge

NM_003737.4(DCHS1):c.6070C>T (p.Arg2024Cys)

Gene: DCHS1 (dachsous cadherin-related 1; minus strand). Cytogenetic location: 11p15.4.
Variant type: single nucleotide variant.
Coding change: c.6070C>T on transcript NM_003737.4 (MANE Select); coding-DNA position 6070, C replaced by T.
Protein change: p.Arg2024Cys; replaces arginine 2024 with cysteine.
Molecular consequence: missense variant.
Genome position (GRCh38, 1-based): chr11:6,626,969, G>A on the plus strand (C>T on the coding strand, the complement: DCHS1 is on the minus strand). VCF-style: chr11-6626969-G-A. GRCh37 (hg19) VCF-style: chr11-6648200-G-A.
Other names: c.6070C>T (NM_003737.3); short protein forms R2024C.
Identifiers: ClinVar variation 1985089 (VCV001985089.6), dbSNP rs147732457, ClinGen allele CA5859964.